The following is an entry in ClinVar:

ClinVar aggregate classification (germline): Uncertain significance (1 of 4 stars; one submission).

Conditions:
Intellectual developmental disorder with autism and macrocephaly. Also called: Autism, susceptibility to, 18; CHD8-Related Neurodevelopmental Disorder with Overgrowth. Identifiers: Orphanet 642675, MedGen C3554373, MONDO:0014017, OMIM 615032.

gnomAD v4.1: 1 of 1,614,038 alleles (0.000062%); highest among the groups gnomAD compares: East Asian, 0.0022%; no homozygotes.

Submission:

OLLIN Analises Genomicas, OLLIN
Classification: Uncertain significance for Intellectual developmental disorder with autism and macrocephaly. Last evaluated: 2025-04-09. Review status: criteria provided, single submitter. Criteria: ACMG Guidelines 2015 PMID 25741868. Collection method: clinical testing. Allele origin: germline. Affected: yes. Observed: 1 variant allele.
Comment: The missense variant (chr14:21400965T>C), located in exon 22 (of 38), described in gnomAD v4.1 non-UKB with an allele frequency of 0.0000016% (a heterozygote), is not reported in ClinVar nor was it found in the scientific literature. This gene shows low tolerance to missense variantion, and in silico analysis predicts that it has a deleterious effect. According to currently available evidence, this variant has been classified as of uncertain significance (VUS) (PM2_P, PP2, PP3).

NM_001170629.2(CHD8):c.4280A>G (p.Asp1427Gly)

Gene: CHD8 (chromodomain helicase DNA binding protein 8; minus strand). Cytogenetic location: 14q11.2.
Variant type: single nucleotide variant.
Coding change: c.4280A>G on transcript NM_001170629.2 (MANE Select); coding-DNA position 4280, A replaced by G.
Protein change: p.Asp1427Gly; replaces aspartic acid 1427 with glycine.
Molecular consequence: missense variant.
Genome position (GRCh38, 1-based): chr14:21,400,965, T>C on the plus strand (A>G on the coding strand, the complement: CHD8 is on the minus strand). VCF-style: chr14-21400965-T-C. GRCh37 (hg19) VCF-style: chr14-21869124-T-C.
Other names: c.3443A>G, p.Asp1148Gly (NM_020920.4); short protein forms D1148G, D1427G.
Identifiers: ClinVar variation 4814121 (VCV004814121.1).